The following is an entry in ClinVar:

ClinVar aggregate classification (germline): Conflicting classifications of pathogenicity. Review status: criteria provided, conflicting classifications (1 of 4 stars). 3 submissions from 3 submitters: Uncertain significance (2); Likely benign (1). Last evaluated 2026-03-12.

Conditions:
Hereditary spastic paraplegia 11. Also called: Spastic Paraplegia 11; Spastic paraplegia, mental retardation and thin corpus callosum; Nakamura Osame syndrome; Autosomal recessive hereditary spastic paraplegia, mental impairment, and thin corpus callosum; SPASTIC PARAPLEGIA, AUTOSOMAL RECESSIVE, COMPLICATED, WITH THIN CORPUS CALLOSUM; SPASTIC PARAPLEGIA, AUTOSOMAL RECESSIVE, WITH MENTAL IMPAIRMENT AND THIN CORPUS CALLOSUM. Identifiers: Orphanet 2822, MedGen C1858479, MONDO:0011445, OMIM 604360.

Allele frequency attached by ClinVar (database versions not stated): TOPMed below 0.00001.
gnomAD v4.1: 16 of 1,614,146 alleles (0.00099%); highest among the groups gnomAD compares: Non-Finnish European, 0.0014%; no homozygotes.

Submissions (3):

GeneDx
Classification: Uncertain significance. Last evaluated: 2026-03-12. Review status: criteria provided, single submitter. Criteria: GeneDx Variant Classification Process June 2021. Collection method: clinical testing. Allele origin: germline.
Comment: Not observed at significant frequency in large population cohorts (gnomAD); In silico analysis supports a deleterious effect on splicing; Has not been previously published as pathogenic or benign to our knowledge

Athena Diagnostics
Classification: Uncertain significance. Last evaluated: 2024-04-26. Review status: criteria provided, single submitter. Criteria: Athena Diagnostics Criteria. Collection method: clinical testing. Allele origin: unknown.

Labcorp Genetics (formerly Invitae), Labcorp
Classification: Likely benign for Hereditary spastic paraplegia 11. Last evaluated: 2017-09-25. Review status: criteria provided, single submitter. Criteria: Invitae Variant Classification Sherloc (09022015). Collection method: clinical testing. Allele origin: germline.

NM_025137.4(SPG11):c.7000-10T>G

Gene: SPG11 (SPG11 vesicle trafficking associated, spatacsin; minus strand). Cytogenetic location: 15q21.1.
Variant type: single nucleotide variant.
Coding change: c.7000-10T>G on transcript NM_025137.4 (MANE Select); 10 bases into the intron before coding-DNA position 7000, T replaced by G.
Molecular consequence: intron variant.
Genome position (GRCh38, 1-based): chr15:44,564,708, A>C on the plus strand (T>G on the coding strand, the complement: SPG11 is on the minus strand). VCF-style: chr15-44564708-A-C. GRCh37 (hg19) VCF-style: chr15-44856906-A-C.
Other names: c.6661-10T>G (NM_001160227.2).
Identifiers: ClinVar variation 534900 (VCV000534900.10), dbSNP rs1419777882, ClinGen allele CA658798318.